The following is an entry in ClinVar:

ClinVar aggregate classification (germline): Uncertain significance. Review status: criteria provided, multiple submitters, no conflicts (2 of 4 stars). 2 submissions from 2 submitters: Uncertain significance (2). Last evaluated 2022-02-20.

Conditions:
Autosomal recessive nonsyndromic hearing loss 48. Also called: Usher Syndrome Type 1J; Deafness, autosomal recessive 48. Identifiers: Orphanet 231169, Orphanet 886, Orphanet 90636, MedGen C1836199, MONDO:0012273, OMIM 609439.

Allele frequency attached by ClinVar (database versions not stated): ExAC 0.00006; ESP Exome Variant Server 0.00023; gnomAD exomes 0.00003 and 0.00006; TOPMed 0.00002; gnomAD 0.00002.
gnomAD v4.1: 43 of 1,613,946 alleles (0.0027%); highest among the groups gnomAD compares: Admixed American, 0.0017%; no homozygotes.

Submissions (2):

Labcorp Genetics (formerly Invitae), Labcorp
Classification: Uncertain significance. Last evaluated: 2022-02-20. Review status: criteria provided, single submitter. Criteria: Invitae Variant Classification Sherloc (09022015). Collection method: clinical testing. Allele origin: germline.
Comment: This sequence change replaces asparagine, which is neutral and polar, with aspartic acid, which is acidic and polar, at codon 118 of the CIB2 protein (p.Asn118Asp). This variant is present in population databases (rs146274871, gnomAD 0.1%). This variant has not been reported in the literature in individuals affected with CIB2-related conditions. ClinVar contains an entry for this variant (Variation ID: 1026504). Algorithms developed to predict the effect of missense changes on protein structure and function are either unavailable or do not agree on the potential impact of this missense change (SIFT: "Not Available"; PolyPhen-2: "Possibly Damaging"; Align-GVGD: "Not Available"). In summary, the available evidence is currently insufficient to determine the role of this variant in disease. Therefore, it has been classified as a Variant of Uncertain Significance.

Fulgent Genetics
Classification: Uncertain significance for Autosomal recessive nonsyndromic hearing loss 48. Last evaluated: 2021-09-24. Review status: criteria provided, single submitter. Criteria: ACMG Guidelines, 2015. Collection method: clinical testing. Allele origin: unknown.

NM_006383.4(CIB2):c.352A>G (p.Asn118Asp)

Gene: CIB2 (calcium and integrin binding family member 2; minus strand). Cytogenetic location: 15q25.1.
Variant type: single nucleotide variant.
Coding change: c.352A>G on transcript NM_006383.4 (MANE Select); coding-DNA position 352, A replaced by G.
Protein change: p.Asn118Asp; replaces asparagine 118 with aspartic acid.
Molecular consequence: missense variant. On other transcripts: non-coding transcript variant (1).
Genome position (GRCh38, 1-based): chr15:78,105,929, T>C on the plus strand (A>G on the coding strand, the complement: CIB2 is on the minus strand). VCF-style: chr15-78105929-T-C. GRCh37 (hg19) VCF-style: chr15-78398271-T-C.
Other names: c.223A>G, p.Asn75Asp (NM_001271888.2); c.205A>G, p.Asn69Asp (NM_001271889.2); c.367A>G, p.Asn123Asp (NM_001301224.2); short protein forms N118D, N123D, N69D, N75D.
Identifiers: ClinVar variation 1026504 (VCV001026504.7), dbSNP rs146274871, ClinGen allele CA7680184.